The following is an entry in ClinVar:

NM_004655.4(AXIN2):c.*957T>G

Gene: AXIN2 (axin 2; minus strand). Cytogenetic location: 17q24.1.
Variant type: single nucleotide variant.
Coding change: c.*957T>G on transcript NM_004655.4 (MANE Select); 957 bases downstream of the stop codon, T replaced by G.
Molecular consequence: 3 prime UTR variant.
Genome position (GRCh38, 1-based): chr17:65,529,019, A>C on the plus strand (T>G on the coding strand, the complement: AXIN2 is on the minus strand). VCF-style: chr17-65529019-A-C. GRCh37 (hg19) VCF-style: chr17-63525137-A-C.
Other names: c.*957T>G (LRG_296t1, NM_001363813.1).
Identifiers: ClinVar variation 324631 (VCV000324631.5), dbSNP rs112415132, ClinGen allele CA10650732.

ClinVar aggregate classification (germline): Benign (1 of 4 stars; one submission).

Conditions:
Oligodontia-cancer predisposition syndrome. Also called: TOOTH AGENESIS-COLORECTAL CANCER SYNDROME. Identifiers: Orphanet 300576, MedGen C1837750, MONDO:0012075, OMIM 608615. Disease mechanism: loss of function.

Allele frequency attached by ClinVar (database versions not stated): gnomAD exomes 0.00545; gnomAD 0.02998 and 0.03202; 1000 Genomes Project 0.03275; 1000 Genomes Project 30x 0.03295; TOPMed 0.03354.
gnomAD v4.1: 5,025 of 239,726 alleles (2.1%); highest among the groups gnomAD compares: African/African-American, 10%; 265 homozygotes.

Submission:

Illumina Laboratory Services, Illumina
Classification: Benign for Oligodontia-cancer predisposition syndrome. Last evaluated: 2018-01-13. Review status: criteria provided, single submitter. Criteria: ICSL Variant Classification Criteria 13 December 2019. Collection method: clinical testing. Allele origin: germline.
Comment: This variant was observed in the ICSL laboratory as part of a predisposition screen in an ostensibly healthy population. It had not been previously curated by ICSL or reported in the Human Gene Mutation Database (HGMD: prior to June 1st, 2018), and was therefore a candidate for classification through an automated scoring system. Utilizing variant allele frequency, disease prevalence and penetrance estimates, and inheritance mode, an automated score was calculated to assess if this variant is too frequent to cause the disease. Based on the score and internal cut-off values, a variant classified as benign is not then subjected to further curation. The score for this variant resulted in a classification of benign for this disease.